The following is an entry in ClinVar:

ClinVar aggregate classification (germline): Uncertain significance. Review status: criteria provided, multiple submitters, no conflicts (2 of 4 stars). 2 submissions from 2 submitters: Uncertain significance (2). Last evaluated 2025-08-25.

Conditions:
Familial hypercholesterolemia. Also called: Familial hypercholesterolaemia. Identifiers: MedGen C0020445, MONDO:0005439.

Submissions (2):

Color Diagnostics, LLC DBA Color Health
Classification: Uncertain significance for Familial hypercholesterolemia. Last evaluated: 2025-08-25. Review status: criteria provided, single submitter. Criteria: ACMG Guidelines, 2015. Collection method: clinical testing. Allele origin: germline.
Comment: This missense variant replaces threonine with proline at codon 94 of the PCSK9 protein. Computational prediction suggests that this variant may not impact protein structure and function. To our knowledge, functional studies have not been reported for this variant. This variant has not been reported in individuals affected with PCSK9-related disorders in the literature. This variant has been identified in 1/251208 chromosomes in the general population by the Genome Aggregation Database (gnomAD). The available evidence is insufficient to determine the role of this variant in disease conclusively. Therefore, this variant is classified as a Variant of Uncertain Significance.

GeneDx
Classification: Uncertain significance. Last evaluated: 2025-08-11. Review status: criteria provided, single submitter. Criteria: GeneDx Variant Classification Process June 2021. Collection method: clinical testing. Allele origin: germline. Affected: yes.
Comment: Not observed at significant frequency in large population cohorts (gnomAD); In silico analysis supports that this missense variant has a deleterious effect on protein structure/function; Has not been previously published as pathogenic or benign to our knowledge

NM_174936.4(PCSK9):c.280A>C (p.Thr94Pro)

Gene: PCSK9 (proprotein convertase subtilisin/kexin type 9; plus strand). Cytogenetic location: 1p32.3.
Variant type: single nucleotide variant.
Coding change: c.280A>C on transcript NM_174936.4 (MANE Select); coding-DNA position 280, A replaced by C.
Protein change: p.Thr94Pro; replaces threonine 94 with proline.
Molecular consequence: missense variant. On other transcripts: 5 prime UTR variant (1), non-coding transcript variant (6), intron variant (1).
Genome position (GRCh38, 1-based): chr1:55,043,915, A>C. VCF-style: chr1-55043915-A-C. GRCh37 (hg19) VCF-style: chr1-55509588-A-C.
Other names: c.403A>C, p.Thr135Pro (NM_001407240.1); c.280A>C, p.Thr94Pro (NM_001407241.1, NM_001407242.1, NM_001407243.1 and 2 more transcripts); c.-96A>C (NM_001407246.1); c.208-2608A>C (NM_001407245.1); short protein forms T135P, T94P.
Identifiers: ClinVar variation 3894378 (VCV003894378.3).